The following is an entry in ClinVar:

NM_003579.4(RAD54L):c.2132A>T (p.Asp711Val)

Genes: LRRC41 (leucine rich repeat containing 41; minus strand), RAD54L (RAD54 like; plus strand). Cytogenetic location: 1p34.1.
Variant type: single nucleotide variant.
Coding change: c.2132A>T on transcript NM_003579.4 (MANE Select); coding-DNA position 2132, A replaced by T.
Protein change: p.Asp711Val; replaces aspartic acid 711 with valine.
Molecular consequence: missense variant. On other transcripts: 3 prime UTR variant (1).
Genome position (GRCh38, 1-based): chr1:46,278,170, A>T. VCF-style: chr1-46278170-A-T. GRCh37 (hg19) VCF-style: chr1-46743842-A-T.
Other names: c.*695T>A (NM_006369.5); c.2132A>T, p.Asp711Val (NM_001142548.2); c.1592A>T, p.Asp531Val (NM_001370766.1); short protein forms D531V, D711V.
Identifiers: ClinVar variation 3223428 (VCV003223428.1), dbSNP rs1660678724, ClinGen allele CA340191275.

ClinVar aggregate classification (germline): Uncertain significance (1 of 4 stars; one submission).

Submission:

Ambry Genetics
Classification: Uncertain significance. Last evaluated: 2023-11-08. Review status: criteria provided, single submitter. Criteria: Ambry Variant Classification Scheme 2023. Collection method: clinical testing. Allele origin: germline.
Comment: The p.D711V variant (also known as c.2132A>T), located in coding exon 18 of the RAD54L gene, results from an A to T substitution at nucleotide position 2132. The aspartic acid at codon 711 is replaced by valine, an amino acid with highly dissimilar properties. This amino acid position is conserved. In addition, this alteration is predicted to be deleterious by in silico analysis. Since supporting evidence is limited at this time, the clinical significance of this alteration remains unclear.